The following is an entry in ClinVar:

ClinVar aggregate classification (germline): Pathogenic (1 of 4 stars; one submission).

Conditions:
Progressive myoclonic epilepsy. Also called: Familial progressive myoclonic epilepsy; Myoclonic Epilepsies, Progressive; Myoclonus epilepsy; Progressive myoclonus epilepsy. Identifiers: Orphanet 308, Orphanet 98261, MedGen C0751778, MONDO:0020074.

Submission:

Labcorp Genetics (formerly Invitae), Labcorp
Classification: Pathogenic for Progressive myoclonic epilepsy. Last evaluated: 2022-02-08. Review status: criteria provided, single submitter. Criteria: Invitae Variant Classification Sherloc (09022015). Collection method: clinical testing. Allele origin: germline.
Comment: For these reasons, this variant has been classified as Pathogenic. This variant has not been reported in the literature in individuals affected with GOSR2-related conditions. This variant is not present in population databases (gnomAD no frequency). This sequence change creates a premature translational stop signal (p.Leu54Cysfs*20) in the GOSR2 gene. It is expected to result in an absent or disrupted protein product. Loss-of-function variants in GOSR2 are known to be pathogenic (PMID: 21549339).

Literature cited by the submitters: PubMed 21549339.

NM_004287.5(GOSR2):c.161del (p.Leu54fs)

Genes: GOSR2 (golgi SNAP receptor complex member 2; plus strand), LRRC37A2 (leucine rich repeat containing 37 member A2), LOC126862578 (BRD4-independent group 4 enhancer GRCh37_chr17:45008344-45009543; plus strand). Cytogenetic location: 17q21.32.
Variant type: Deletion.
Coding change: c.161del on transcript NM_004287.5 (MANE Select); coding-DNA position 161, one base deleted (T; older notation c.161delT).
Protein change: p.Leu54fs; shifts the reading frame from leucine 54.
Molecular consequence: frameshift variant. On other transcripts: non-coding transcript variant (3).
Genome position (GRCh38, 1-based): chr17:46,931,165, T deleted; the last of 4 consecutive T bases (chr17:46,931,162-46,931,165); deleting any one gives the same sequence. VCF-style (leftmost placement, unchanged base first): chr17-46931161-AT-A. GRCh37 (hg19) VCF-style: chr17-45008527-AT-A.
Other names: c.161del, p.Leu54fs (NM_001012511.3, NM_001321133.2, NM_001330252.2 and 1 more transcripts); c.107del, p.Leu36fs (NM_001321134.2, NM_001363851.2); c.158del, p.Leu53fs (NM_001353114.2, NM_001353115.2, NM_001353116.2); short protein forms L54fs, L53fs, L36fs.
Identifiers: ClinVar variation 1451722 (VCV001451722.6), dbSNP rs2146892080, ClinGen allele CA2573154128.